The following is an entry in ClinVar:

NM_001111.5(ADAR):c.3514C>T (p.Arg1172Cys)

Gene: ADAR (adenosine deaminase RNA specific; minus strand). Cytogenetic location: 1q21.3.
Variant type: single nucleotide variant.
Coding change: c.3514C>T on transcript NM_001111.5 (MANE Select); coding-DNA position 3514, C replaced by T.
Protein change: p.Arg1172Cys; replaces arginine 1172 with cysteine.
Molecular consequence: missense variant.
Genome position (GRCh38, 1-based): chr1:154,584,973, G>A on the plus strand (C>T on the coding strand, the complement: ADAR is on the minus strand). VCF-style: chr1-154584973-G-A. GRCh37 (hg19) VCF-style: chr1-154557449-G-A.
Other names: c.2629C>T, p.Arg877Cys (NM_001025107.3, NM_001193495.2, NM_001365046.1 and 2 more transcripts); c.3541C>T, p.Arg1181Cys (NM_001365045.1); c.2551C>T, p.Arg851Cys (NM_001365049.1); c.3436C>T, p.Arg1146Cys (NM_015840.4); c.3379C>T, p.Arg1127Cys (NM_015841.4); short protein forms R1127C, R1146C, R1172C, R1181C, R851C, R877C.
Identifiers: ClinVar variation 1022069 (VCV001022069.8), dbSNP rs752914135, ClinGen allele CA1130929.
Genomic context (GRCh38, chr1:154,584,973, plus strand): 5'-AGTCACGGGCAGCTTTCTTGGCCTCACCATAGGAGAGTCTCAGTAGATCCCTGCGGTAAC[G>A]GAAGGAGCAGAGCTTCTTAAATAGAAGAAAAATGTTCTTTTTGGAGACCCGGGACAATTC-3'
Protein context (NP_001102.3, residues 1162-1182): FLLFKKLCSF[Arg1172Cys]YRRDLLRLSY

ClinVar aggregate classification (germline): Uncertain significance (1 of 4 stars; one submission).

Conditions:
Symmetrical dyschromatosis of extremities (DSH). Also called: Dyschromatosis symmetrica hereditaria; RETICULATE ACROPIGMENTATION OF DOHI; DYSCHROMATOSIS SYMMETRICA HEREDITARIA 1; SYMMETRIC DYSCHROMATOSIS OF THE EXTREMITIES. Identifiers: Orphanet 41, MedGen C0406775, MONDO:0007483, OMIM 127400.
Aicardi-Goutieres syndrome 6 (AGS6). Identifiers: Orphanet 51, MedGen C3539013, MONDO:0014007, OMIM 615010.

Allele frequency attached by ClinVar (database versions not stated): gnomAD 0.00001; gnomAD exomes 0.00001; ExAC 0.00001.
gnomAD v4.1: 11 of 1,614,054 alleles (0.00068%); highest among the groups gnomAD compares: Admixed American, 0.0033%; no homozygotes.

Submission:

Labcorp Genetics (formerly Invitae), Labcorp
Classification: Uncertain significance for Aicardi-Goutieres syndrome 6; Symmetrical dyschromatosis of extremities. Last evaluated: 2025-11-09. Review status: criteria provided, single submitter. Criteria: Invitae Variant Classification Sherloc (09022015). Collection method: clinical testing. Allele origin: germline.
Comment: This sequence change replaces arginine, which is basic and polar, with cysteine, which is neutral and slightly polar, at codon 1172 of the ADAR protein (p.Arg1172Cys). This variant is present in population databases (rs752914135, gnomAD 0.006%). This variant has not been reported in the literature in individuals affected with ADAR-related conditions. ClinVar contains an entry for this variant (Variation ID: 1022069). Invitae Evidence Modeling of protein sequence and biophysical properties (such as structural, functional, and spatial information, amino acid conservation, physicochemical variation, residue mobility, and thermodynamic stability) indicates that this missense variant is not expected to disrupt ADAR protein function with a negative predictive value of 80%. Algorithms developed to predict the effect of sequence changes on RNA splicing suggest that this variant may create or strengthen a splice site. In summary, the available evidence is currently insufficient to determine the role of this variant in disease. Therefore, it has been classified as a Variant of Uncertain Significance.